The following is an entry in ClinVar:

NM_001253697.2(ERBIN):c.286G>A (p.Glu96Lys)

Gene: ERBIN (erbb2 interacting protein; plus strand). Cytogenetic location: 5q12.3.
Variant type: single nucleotide variant.
Coding change: c.286G>A on transcript NM_001253697.2 (MANE Select); coding-DNA position 286, G replaced by A.
Protein change: p.Glu96Lys; replaces glutamic acid 96 with lysine.
Molecular consequence: missense variant.
Genome position (GRCh38, 1-based): chr5:65,994,843, G>A. VCF-style: chr5-65994843-G-A. GRCh37 (hg19) VCF-style: chr5-65290671-G-A.
Other names: c.286G>A, p.Glu96Lys (NM_001006600.3, NM_001253698.2, NM_001253699.2 and 2 more transcripts); short protein forms E96K.
Identifiers: ClinVar variation 2981301 (VCV002981301.3), dbSNP rs1472399926, ClinGen allele CA359972312.
Genomic context (GRCh38, chr5:65,994,843, plus strand): 5'-TTGCCAGACAATGATTTAACAACGTTACCAGCATCCATTGCAAACCTTATTAATCTCAGG[G>A]AACTGGATGTCAGCAAGAATGGTAAGGCTTTTTTTGCCCATAATTTTTTGTACTTGGGAA-3'
Protein context (NP_001240626.1, residues 86-106): ASIANLINLR[Glu96Lys]LDVSKNGIQE

ClinVar aggregate classification (germline): Uncertain significance (1 of 4 stars; one submission).

Allele frequency attached by ClinVar (database versions not stated): gnomAD exomes below 0.00001.
gnomAD v4.1: 2 of 1,603,124 alleles (0.00012%); highest among the groups gnomAD compares: Admixed American, 0.0035%; no homozygotes.

Submission:

Labcorp Genetics (formerly Invitae), Labcorp
Classification: Uncertain significance. Last evaluated: 2023-11-08. Review status: criteria provided, single submitter. Criteria: Invitae Variant Classification Sherloc (09022015). Collection method: clinical testing. Allele origin: germline.
Comment: This sequence change replaces glutamic acid, which is acidic and polar, with lysine, which is basic and polar, at codon 96 of the ERBIN protein (p.Glu96Lys). This variant is present in population databases (no rsID available, gnomAD 0.006%). This variant has not been reported in the literature in individuals affected with ERBIN-related conditions. An algorithm developed to predict the effect of missense changes on protein structure and function (PolyPhen-2) suggests that this variant is likely to be disruptive. In summary, the available evidence is currently insufficient to determine the role of this variant in disease. Therefore, it has been classified as a Variant of Uncertain Significance.